The following is an entry in ClinVar:

NM_004936.4(CDKN2B):c.122A>G (p.Asn41Ser)

Genes: CDKN2B (cyclin dependent kinase inhibitor 2B; minus strand), CDKN2B-AS1 (CDKN2B and CDKN2A antisense cis and trans regulatory RNA 1; plus strand), LOC130001608 (ATAC-STARR-seq lymphoblastoid silent region 19815; plus strand). Cytogenetic location: 9p21.3.
Variant type: single nucleotide variant.
Coding change: c.122A>G on transcript NM_004936.4 (MANE Select); coding-DNA position 122, A replaced by G.
Protein change: p.Asn41Ser; replaces asparagine 41 with serine.
Molecular consequence: missense variant.
Genome position (GRCh38, 1-based): chr9:22,008,832, T>C on the plus strand (A>G on the coding strand, the complement: CDKN2B is on the minus strand). VCF-style: chr9-22008832-T-C. GRCh37 (hg19) VCF-style: chr9-22008831-T-C.
Other names: c.122A>G, p.Asn41Ser (NM_078487.2); short protein forms N41S.
Identifiers: ClinVar variation 2205664 (VCV002205664.7), dbSNP rs375443156, ClinGen allele CA5012583.

ClinVar aggregate classification (germline): Conflicting classifications of pathogenicity. Review status: criteria provided, conflicting classifications (1 of 4 stars). 4 submissions from 4 submitters: Uncertain significance (3); Likely benign (1). Last evaluated 2025-04-04.

Conditions:
CDKN2B-related condition.

Allele frequency attached by ClinVar (database versions not stated): ESP Exome Variant Server 0.00023.
gnomAD v4.1: 320 of 1,608,630 alleles (0.02%); highest among the groups gnomAD compares: Non-Finnish European, 0.024%; no homozygotes.

Submissions (4):

PreventionGenetics, part of Exact Sciences
Classification: Uncertain significance for CDKN2B-related condition. Last evaluated: 2025-04-04. Review status: criteria provided, single submitter. Criteria: ACMG Guidelines, 2015. Collection method: clinical testing. Allele origin: germline.
Comment: The CDKN2B c.122A>G variant is predicted to result in the amino acid substitution p.Asn41Ser. To our knowledge, this variant has not been reported in the literature. This variant is reported in 0.034% of alleles in individuals of European (Finnish) descent in gnomAD. This variant is interpreted as uncertain in ClinVar. At this time, the clinical significance of this variant is uncertain due to the absence of conclusive functional and genetic evidence.

Center for Genomic Medicine, Rigshospitalet, Copenhagen University Hospital
Classification: Uncertain significance. Last evaluated: 2025-03-04. Review status: criteria provided, single submitter. Criteria: ACMG Guidelines, 2015. Collection method: clinical testing. Allele origin: germline.

Ambry Genetics
Classification: Uncertain significance. Last evaluated: 2025-01-01. Review status: criteria provided, single submitter. Criteria: Ambry Variant Classification Scheme 2023. Collection method: clinical testing. Allele origin: germline.

Blueprint Genetics
Classification: Likely benign. Last evaluated: 2024-10-25. Review status: criteria provided, single submitter. Criteria: ACMG Guidelines, 2015. Collection method: clinical testing. Allele origin: germline.